The following is an entry in ClinVar:

ClinVar aggregate classification (germline): Likely benign (0 of 4 stars; one submission).

Conditions:
KALRN-related disorder. Also called: KALRN-related condition.

Allele frequency attached by ClinVar (database versions not stated): gnomAD exomes 0.00008; ExAC 0.00032; 1000 Genomes Project 0.00100; 1000 Genomes Project 30x 0.00109; gnomAD 0.00116; ESP Exome Variant Server 0.00128; TOPMed 0.00131.
gnomAD v4.1: 280 of 1,367,918 alleles (0.02%); highest among the groups gnomAD compares: African/African-American, 0.34%; 1 homozygote.

Submission:

PreventionGenetics, part of Exact Sciences
Classification: Likely benign for KALRN-related condition. Last evaluated: 2022-04-15. Review status: no assertion criteria provided. Collection method: clinical testing. Allele origin: germline.
Comment: This variant is classified as likely benign based on ACMG/AMP sequence variant interpretation guidelines (Richards et al. 2015 PMID: 25741868, with internal and published modifications).

NM_001388419.1(KALRN):c.5075C>A (p.Thr1692Asn)

Gene: KALRN (kalirin RhoGEF kinase; plus strand). Cytogenetic location: 3q21.2.
Variant type: single nucleotide variant.
Coding change: c.5075C>A on transcript NM_001388419.1 (MANE Select); coding-DNA position 5075, C replaced by A.
Protein change: p.Thr1692Asn; replaces threonine 1692 with asparagine.
Molecular consequence: missense variant.
Genome position (GRCh38, 1-based): chr3:124,562,982, C>A. VCF-style: chr3-124562982-C-A. GRCh37 (hg19) VCF-style: chr3-124281829-C-A.
Other names: c.5069C>A, p.Thr1690Asn (NM_001024660.5, NM_001322988.2); c.3146C>A, p.Thr1049Asn (NM_001388412.1); short protein forms T1049N, T1690N, T1692N.
Identifiers: ClinVar variation 3046897 (VCV003046897.2), dbSNP rs202002851, ClinGen allele CA2580293.
Genomic context (GRCh38, chr3:124,562,982, plus strand): 5'-GGCAGACGGTAGAGCTGCTGGAGCGGCCCAGCGAGCGGCCTGGTTGGTGTCTGGTCCGTA[C>A]CACCGAACGGAGCCCGCCCTTGGAGGGTCTGGTCCCCAGCAGCGCCCTGTGCATCTCACA-3'
Protein context (NP_001375348.1, residues 1682-1702): SERPGWCLVR[Thr1692Asn]TERSPPLEGL